The following is an entry in ClinVar:

NM_004526.4(MCM2):c.1773+4G>T

Gene: MCM2 (minichromosome maintenance complex component 2; plus strand). Cytogenetic location: 3q21.3.
Variant type: single nucleotide variant.
Coding change: c.1773+4G>T on transcript NM_004526.4 (MANE Select); 4 bases into the intron after coding-DNA position 1773, G replaced by T.
Molecular consequence: intron variant.
Genome position (GRCh38, 1-based): chr3:127,617,122, G>T. VCF-style: chr3-127617122-G-T. GRCh37 (hg19) VCF-style: chr3-127335965-G-T.
Identifiers: ClinVar variation 2171005 (VCV002171005.4), dbSNP rs768566845, ClinGen allele CA546415224.

ClinVar aggregate classification (germline): Uncertain significance (1 of 4 stars; one submission).

Allele frequency attached by ClinVar (database versions not stated): TOPMed 0.00002; gnomAD 0.00005; gnomAD exomes 0.00009.
gnomAD v4.1: 135 of 1,611,702 alleles (0.0084%); highest among the groups gnomAD compares: Non-Finnish European, 0.011%; no homozygotes.

Submission:

Labcorp Genetics (formerly Invitae), Labcorp
Classification: Uncertain significance. Last evaluated: 2022-06-27. Review status: criteria provided, single submitter. Criteria: Invitae Variant Classification Sherloc (09022015). Collection method: clinical testing. Allele origin: germline.
Comment: In summary, the available evidence is currently insufficient to determine the role of this variant in disease. Therefore, it has been classified as a Variant of Uncertain Significance. Variants that disrupt the consensus splice site are a relatively common cause of aberrant splicing (PMID: 17576681, 9536098). Algorithms developed to predict the effect of sequence changes on RNA splicing suggest that this variant is not likely to affect RNA splicing. This variant has not been reported in the literature in individuals affected with MCM2-related conditions. This variant is present in population databases (no rsID available, gnomAD 0.005%). This sequence change falls in intron 10 of the MCM2 gene. It does not directly change the encoded amino acid sequence of the MCM2 protein. It affects a nucleotide within the consensus splice site.

Literature cited by the submitters: PubMed 17576681; PubMed 9536098.